The following is an entry in ClinVar:

NM_018255.4(ELP2):c.1741_1742del (p.Leu581fs)

Gene: ELP2 (elongator acetyltransferase complex subunit 2; plus strand). Cytogenetic location: 18q12.2.
Variant type: Microsatellite.
Coding change: c.1741_1742del on transcript NM_018255.4 (MANE Select); coding-DNA positions 1741 to 1742, 2 bases deleted (CT; older notation c.1741_1742delCT).
Protein change: p.Leu581fs; shifts the reading frame from leucine 581.
Molecular consequence: frameshift variant. On other transcripts: non-coding transcript variant (4).
Genome position (GRCh38, 1-based): chr18:36,160,984-36,160,985, CT deleted; deleting any 2 consecutive bases within chr18:36,160,982-36,160,985 gives the same sequence; the c. name uses the placement nearest the transcript's 3' end. VCF-style (leftmost placement, unchanged base first): chr18-36160981-ACT-A. GRCh37 (hg19) VCF-style: chr18-33740944-ACT-A.
Other names: c.1936_1937del, p.Leu646fs (NM_001242875.3); c.1726_1727del, p.Leu576fs (NM_001242876.3); c.1663_1664del, p.Leu555fs (NM_001242877.3); c.1531_1532del, p.Leu511fs (NM_001242878.3, NM_001242879.3); c.1609_1610del, p.Leu537fs (NM_001324465.2); c.1858_1859del, p.Leu620fs (NM_001324466.2); c.1591_1592del, p.Leu531fs (NM_001324467.2); c.1294_1295del, p.Leu432fs (NM_001324468.2); short protein forms L432fs, L581fs, L646fs, L531fs, L620fs, L537fs, L511fs, L555fs.
Identifiers: ClinVar variation 2402422 (VCV002402422.3), dbSNP rs2090721527, ClinGen allele CA645606465.

ClinVar aggregate classification (germline): Pathogenic/Likely pathogenic. Review status: criteria provided, multiple submitters, no conflicts (2 of 4 stars). 2 submissions from 2 submitters: Pathogenic (1); Likely pathogenic (1). Last evaluated 2025-07-11.

Conditions:
Inborn genetic diseases. Identifiers: MedGen C0950123, MeSH D030342.
Intellectual developmental disorder, autosomal recessive 58. Also called: Intellectual disability, autosomal recessive 58. Identifiers: MedGen C4310641, MONDO:0014996, OMIM 617270.

Submissions (2):

Variantyx, Inc.
Classification: Likely pathogenic for Intellectual developmental disorder, autosomal recessive 58. Last evaluated: 2025-07-11. Review status: criteria provided, single submitter. Criteria: Variantyx Assertion Criteria 2022. Collection method: clinical testing. Allele origin: germline. Inheritance: Autosomal recessive inheritance. Affected: no.
Comment: This is a frameshift variant in the ELP2 gene (OMIM: 616054). Pathogenic variants in this gene have been associated with autosomal recessive intellectual developmental disorder 58. This variant introduces a premature termination codon in exon 17 out of 22 and is expected to result in loss of function, which is a known disease mechanism for ELP2 in this disorder (PVS1 (PMID:33976153). This variant has a 0.0033% maximum allele frequency in non-founder control populations (PM2). Based on the current evidence, this variant is classified as likely pathogenic for autosomal recessive intellectual developmental disorder 58.No other variant of clinical significance was identified in the ELP2 gene.

Ambry Genetics
Classification: Pathogenic for Inborn genetic diseases. Last evaluated: 2021-05-13. Review status: criteria provided, single submitter. Criteria: Ambry Variant Classification Scheme 2023. Collection method: clinical testing. Allele origin: germline.
Comment: The c.1936_1937delCT (p.L646Afs*6) alteration, located in exon 18 (coding exon 18) of the ELP2 gene, consists of a deletion of 2 nucleotides from position 1936 to 1937, causing a translational frameshift with a predicted alternate stop codon after 6 amino acids. This alteration is expected to result in loss of function by premature protein truncation or nonsense-mediated mRNA decay. Based on data from the Genome Aggregation Database (gnomAD), the ELP2 c.1936_1937delCT alteration was not observed, with coverage at this position. Based on the available evidence, this alteration is classified as pathogenic.

Literature cited by the submitters: PubMed 33976153 (cited by Variantyx, Inc.).